The following is an entry in ClinVar:

ClinVar aggregate classification (germline): Likely benign (1 of 4 stars; one submission).

Submission:

GeneDx
Classification: Likely benign. Last evaluated: 2016-03-10. Review status: criteria provided, single submitter. Criteria: GeneDx Variant Classification (06012015). Collection method: clinical testing. Allele origin: germline. Affected: yes.
Comment: This variant is considered likely benign or benign based on one or more of the following criteria: it is a conservative change, it occurs at a poorly conserved position in the protein, it is predicted to be benign by multiple in silico algorithms, and/or has population frequency not consistent with disease.

NM_001083962.2(TCF4):c.990+13dup

Gene: TCF4 (transcription factor 4; minus strand). Cytogenetic location: 18q21.2.
Variant type: Duplication.
Coding change: c.990+13dup on transcript NM_001083962.2 (MANE Select); 13 bases into the intron after coding-DNA position 990, one base duplicated (T; older notation c.990+13dupT).
Molecular consequence: intron variant.
Genome position (GRCh38, 1-based): chr18:55,261,453, A duplicated on the plus strand (T on the coding strand, the reverse complement: TCF4 is on the minus strand); the first of 2 consecutive A bases (chr18:55,261,453-55,261,454); duplicating either gives the same sequence. VCF-style (leftmost placement, unchanged base first): chr18-55261452-C-CA. GRCh37 (hg19) VCF-style: chr18-52928683-C-CA.
Other names: c.1296+13dup (NM_001243226.3); c.915+13dup (NM_001369584.1, NM_001369576.1, NM_001369585.1 and 3 more transcripts); c.918+13dup (NM_001369577.1, NM_001369582.1, NM_001243227.2 and 9 more transcripts); c.990+13dup (NM_001369571.1, NM_001369567.1, NM_001369572.1 and 4 more transcripts); c.1008+13dup (NM_001243228.2); c.984+13dup (NM_001243230.2); c.987+13dup (NM_001369569.1, NM_001369573.1, NM_001369570.1); c.864+13dup (NM_001243231.2, NM_001348211.2); and 5 more.
Identifiers: ClinVar variation 420605 (VCV000420605.1), dbSNP rs1555777935, ClinGen allele CA16620714.
Genomic context (GRCh38, chr18:55,261,452, plus strand): 5'-CCAAATGTCCACTTCTGATTAAAGTTCACCCTTTACAATGGTACATATGGAGTCCAAAGT[C>CA]AATATTTCCTCACCGAAGCAAGTGCTTTCCCCAGAGCATCTCCAGTCTGGGAGCTGCCGG-3'